The following is an entry in ClinVar:

ClinVar aggregate classification (germline): Pathogenic (1 of 4 stars; one submission).

Conditions:
Hereditary cancer-predisposing syndrome. Also called: Neoplastic Syndromes, Hereditary; Tumor predisposition; Hereditary Cancer Syndrome; Hereditary neoplastic syndrome. Identifiers: Orphanet 140162, MedGen C0027672, MeSH D009386, MONDO:0015356.

Submission:

Ambry Genetics
Classification: Pathogenic for Hereditary cancer-predisposing syndrome. Last evaluated: 2022-05-26. Review status: criteria provided, single submitter. Criteria: Ambry Variant Classification Scheme 2023. Collection method: clinical testing. Allele origin: germline.
Comment: The c.793dupA pathogenic mutation, located in coding exon 7 of the BMPR1A gene, results from a duplication of A at nucleotide position 793, causing a translational frameshift with a predicted alternate stop codon (p.T265Nfs*3). This variant is considered to be rare based on population cohorts in the Genome Aggregation Database (gnomAD). This alteration is expected to result in loss of function by premature protein truncation or nonsense-mediated mRNA decay. As such, this alteration is interpreted as a disease-causing mutation.

NM_004329.3(BMPR1A):c.793dup (p.Thr265fs)

Gene: BMPR1A (bone morphogenetic protein receptor type 1A; plus strand). Cytogenetic location: 10q23.2.
Variant type: Duplication.
Coding change: c.793dup on transcript NM_004329.3 (MANE Select); coding-DNA position 793, one base duplicated (A; older notation c.793dupA).
Protein change: p.Thr265fs; shifts the reading frame from threonine 265.
Molecular consequence: frameshift variant.
Genome position (GRCh38, 1-based): chr10:86,917,251, A duplicated. VCF-style (leftmost placement, unchanged base first): chr10-86917250-T-TA. GRCh37 (hg19) VCF-style: chr10-88677007-T-TA.
Other names: c.868dup, p.Thr290Asnfs (NM_001406559.1); c.841dup, p.Thr281Asnfs (NM_001406560.1); c.793dup, p.Thr265Asnfs (NM_001406561.1, NM_001406562.1, NM_001406563.1 and 19 more transcripts); c.787dup, p.Thr263Asnfs (NM_001406583.1); c.709dup, p.Thr237Asnfs (NM_001406584.1, NM_001406585.1, NM_001406586.1 and 2 more transcripts); c.451dup, p.Thr151Asnfs (NM_001406589.1); c.793dupA (NM_004329.2); short protein forms T265fs.
Identifiers: ClinVar variation 1761315 (VCV001761315.2), dbSNP rs2539604404, ClinGen allele CA2580082105.